The following is an entry in ClinVar:

ClinVar aggregate classification (germline): Uncertain significance (1 of 4 stars; one submission).

Conditions:
Jeune thoracic dystrophy. Also called: Short-rib thoracic dysplasia; Jeune syndrome; Infantile thoracic dystrophy; Thoracic pelvic phalangeal dystrophy; Jeune's syndrome; Chondroectodermal dysplasia-like syndrome. Identifiers: Orphanet 474, MedGen C0265275, MONDO:0018770.

Submission:

Labcorp Genetics (formerly Invitae), Labcorp
Classification: Uncertain significance for Jeune thoracic dystrophy. Last evaluated: 2021-12-12. Review status: criteria provided, single submitter. Criteria: Invitae Variant Classification Sherloc (09022015). Collection method: clinical testing. Allele origin: germline.
Comment: This sequence change replaces asparagine, which is neutral and polar, with aspartic acid, which is acidic and polar, at codon 3886 of the DYNC2H1 protein (p.Asn3886Asp). This variant is not present in population databases (gnomAD no frequency). This variant has not been reported in the literature in individuals affected with DYNC2H1-related conditions. Advanced modeling of protein sequence and biophysical properties (such as structural, functional, and spatial information, amino acid conservation, physicochemical variation, residue mobility, and thermodynamic stability) performed at Invitae indicates that this missense variant is not expected to disrupt DYNC2H1 protein function. In summary, the available evidence is currently insufficient to determine the role of this variant in disease. Therefore, it has been classified as a Variant of Uncertain Significance.

NM_001377.3(DYNC2H1):c.11635A>G (p.Asn3879Asp)

Gene: DYNC2H1 (dynein cytoplasmic 2 heavy chain 1; plus strand). Cytogenetic location: 11q22.3.
Variant type: single nucleotide variant.
Coding change: c.11635A>G on transcript NM_001377.3 (MANE Select); coding-DNA position 11635, A replaced by G.
Protein change: p.Asn3879Asp; replaces asparagine 3879 with aspartic acid.
Molecular consequence: missense variant.
Genome position (GRCh38, 1-based): chr11:103,312,019, A>G. VCF-style: chr11-103312019-A-G. GRCh37 (hg19) VCF-style: chr11-103182748-A-G.
Other names: c.11656A>G, p.Asn3886Asp (NM_001080463.2); short protein forms N3879D, N3886D.
Identifiers: ClinVar variation 2041050 (VCV002041050.4), dbSNP rs1396615880, ClinGen allele CA382264889.
Genomic context (GRCh38, chr11:103,312,019, plus strand): 5'-CATCGAGCTCATGCTCTCTTCAGTCTTGCATGGTTTCATGCTGCATGTCAAGAAAGAAGA[A>G]ACTATATTCCTCAGGTAAGTAAGAACATGTCTTGAATACATTCTAAGCTTTATATTTTTG-3'
Protein context (NP_001368.2, residues 3869-3889): WFHAACQERR[Asn3879Asp]YIPQGWTKFY